The following is an entry in ClinVar:

NM_198576.4(AGRN):c.5652-3C>T

Gene: AGRN (agrin; plus strand). Cytogenetic location: 1p36.33.
Variant type: single nucleotide variant.
Coding change: c.5652-3C>T on transcript NM_198576.4 (MANE Select); 3 bases into the intron before coding-DNA position 5652, C replaced by T.
Molecular consequence: intron variant.
Genome position (GRCh38, 1-based): chr1:1,053,750, C>T. VCF-style: chr1-1053750-C-T. GRCh37 (hg19) VCF-style: chr1-989130-C-T.
Other names: c.5721-3C>T (NM_001305275.2); c.5349-3C>T (NM_001364727.2).
Identifiers: ClinVar variation 1419602 (VCV001419602.3), dbSNP rs371046187, ClinGen allele CA510195.

ClinVar aggregate classification (germline): Uncertain significance (1 of 4 stars; one submission).

Conditions:
Congenital myasthenic syndrome 8. Also called: Myasthenic syndrome, congenital, 8, with pre- and postsynaptic defects; MYASTHENIC SYNDROME, CONGENITAL, DUE TO AGRIN DEFICIENCY. Identifiers: Orphanet 590, MedGen C3808739, MONDO:0014052, OMIM 615120.

Allele frequency attached by ClinVar (database versions not stated): ExAC 0.00002; TOPMed 0.00002; gnomAD 0.00003 and 0.00004; gnomAD exomes 0.00003; ESP Exome Variant Server 0.00008.
gnomAD v4.1: 42 of 1,597,136 alleles (0.0026%); highest among the groups gnomAD compares: Non-Finnish European, 0.0029%; no homozygotes.

Submission:

Labcorp Genetics (formerly Invitae), Labcorp
Classification: Uncertain significance for Congenital myasthenic syndrome 8. Last evaluated: 2022-06-14. Review status: criteria provided, single submitter. Criteria: Invitae Variant Classification Sherloc (09022015). Collection method: clinical testing. Allele origin: germline.
Comment: This sequence change falls in intron 33 of the AGRN gene. It does not directly change the encoded amino acid sequence of the AGRN protein. It affects a nucleotide within the consensus splice site. This variant is present in population databases (rs371046187, gnomAD 0.009%). This variant has not been reported in the literature in individuals affected with AGRN-related conditions. Variants that disrupt the consensus splice site are a relatively common cause of aberrant splicing (PMID: 17576681, 9536098). Algorithms developed to predict the effect of sequence changes on RNA splicing suggest that this variant is not likely to affect RNA splicing. In summary, the available evidence is currently insufficient to determine the role of this variant in disease. Therefore, it has been classified as a Variant of Uncertain Significance.

Literature cited by the submitters: PubMed 17576681; PubMed 9536098.